The following is an entry in ClinVar:

NM_001277115.2(DNAH11):c.9436G>C (p.Glu3146Gln)

Gene: DNAH11 (dynein axonemal heavy chain 11; plus strand). Cytogenetic location: 7p15.3.
Variant type: single nucleotide variant.
Coding change: c.9436G>C on transcript NM_001277115.2 (MANE Select); coding-DNA position 9436, G replaced by C.
Protein change: p.Glu3146Gln; replaces glutamic acid 3146 with glutamine.
Molecular consequence: missense variant.
Genome position (GRCh38, 1-based): chr7:21,779,057, G>C. VCF-style: chr7-21779057-G-C. GRCh37 (hg19) VCF-style: chr7-21818675-G-C.
Other names: c.9436G>C (NM_001277115.1); c.9457G>C, p.Glu3153Gln (NM_003777.3); short protein forms E3146Q, E3153Q.
Identifiers: ClinVar variation 2921009 (VCV002921009.4), dbSNP rs762421117, ClinGen allele CA4181962.

ClinVar aggregate classification (germline): Conflicting classifications of pathogenicity. Review status: criteria provided, conflicting classifications (1 of 4 stars). 3 submissions from 3 submitters: Uncertain significance (2); Benign (1). Last evaluated 2025-05-26.

Conditions:
Primary ciliary dyskinesia. Also called: Ciliary dyskinesia. Identifiers: Orphanet 244, MedGen C0008780, MONDO:0016575, HP:0012265.
Primary ciliary dyskinesia 7. Also called: CILIARY DYSKINESIA, PRIMARY, 7, WITH OR WITHOUT SITUS INVERSUS. Identifiers: Orphanet 244, MedGen C2678473, MONDO:0012748, OMIM 611884.

Allele frequency attached by ClinVar (database versions not stated): ExAC 0.00001; gnomAD exomes 0.00001.
gnomAD v4.1: 4 of 1,613,406 alleles (0.00025%); highest among the groups gnomAD compares: Admixed American, 0.0033%; 1 homozygote.

Submissions (3):

Ambry Genetics
Classification: Uncertain significance for Primary ciliary dyskinesia. Last evaluated: 2025-05-26. Review status: criteria provided, single submitter. Criteria: Ambry Variant Classification Scheme 2023. Collection method: clinical testing. Allele origin: germline.

Labcorp Genetics (formerly Invitae), Labcorp
Classification: Benign for Primary ciliary dyskinesia. Last evaluated: 2025-01-28. Review status: criteria provided, single submitter. Criteria: Invitae Variant Classification Sherloc (09022015). Collection method: clinical testing. Allele origin: germline.

ARUP Laboratories, Molecular Genetics and Genomics, ARUP Laboratories
Classification: Uncertain significance for Primary ciliary dyskinesia 7. Last evaluated: 2023-08-15. Review status: criteria provided, single submitter. Criteria: ARUP Molecular Germline Variant Investigation Process 2024. Collection method: clinical testing. Allele origin: germline.
Comment: The DNAH11 c.9436G>C; p.Glu3146Gln variant (rs762421117), to our knowledge, is not reported in the medical literature or gene specific databases. This variant is only found on three alleles in the Genome Aggregation Database, indicating it is not a common polymorphism. Computational analyses are uncertain whether this variant is neutral or deleterious (REVEL: 0.357). Due to limited information, the clinical significance of this variant is uncertain at this time.